The following is an entry in ClinVar:

NM_001365536.1(SCN9A):c.2517+5A>T

Genes: SCN1A-AS1 (SCN1A and SCN9A antisense RNA 1; plus strand), SCN9A (sodium voltage-gated channel alpha subunit 9; minus strand). Cytogenetic location: 2q24.3.
Variant type: single nucleotide variant.
Coding change: c.2517+5A>T on transcript NM_001365536.1 (MANE Select); 5 bases into the intron after coding-DNA position 2517, A replaced by T.
Molecular consequence: intron variant.
Genome position (GRCh38, 1-based): chr2:166,278,135, T>A on the plus strand (A>T on the coding strand, the complement: SCN9A is on the minus strand). VCF-style: chr2-166278135-T-A. GRCh37 (hg19) VCF-style: chr2-167134645-T-A.
Other names: c.2484+5A>T (NM_002977.4).
Identifiers: ClinVar variation 3752900 (VCV003752900.2).
Genomic context (GRCh38, chr2:166,278,135, plus strand): 5'-TAATGCAAAACCAAAGAAATACCCCTTTATTATAGAATATAATGGCAACCTTAGTTTATG[T>A]TTACCAGTCTGAATGATCGCAGAACTGACAATCCTTCCACATCTGCTAGAAAGAGCTCCA-3'

ClinVar aggregate classification (germline): Uncertain significance (1 of 4 stars; one submission).

Conditions:
Neuropathy, hereditary sensory and autonomic, type 2A (HSAN2A). Also called: ACROOSTEOLYSIS, GIACCAI TYPE; ACROOSTEOLYSIS, NEUROGENIC; WNK1-Related HSAN2 (HSAN2A); MORVAN DISEASE; NEUROPATHY, CONGENITAL SENSORY; NEUROPATHY, HEREDITARY SENSORY RADICULAR, AUTOSOMAL RECESSIVE. Identifiers: Orphanet 970, MedGen C2752089, MONDO:0024309, OMIM 201300.
Generalized epilepsy with febrile seizures plus, type 7 (GEFSP7). Also called: GEFS+, TYPE 7. Identifiers: Orphanet 36387, MedGen C2751778, MONDO:0013470, OMIM 613863.

gnomAD v4.1: 1 of 1,608,920 alleles (0.000062%); highest among the groups gnomAD compares: East Asian, 0.0022%; no homozygotes.

Submission:

Labcorp Genetics (formerly Invitae), Labcorp
Classification: Uncertain significance for Neuropathy, hereditary sensory and autonomic, type 2A; Generalized epilepsy with febrile seizures plus, type 7. Last evaluated: 2024-11-30. Review status: criteria provided, single submitter. Criteria: Invitae Variant Classification Sherloc (09022015). Collection method: clinical testing. Allele origin: germline.
Comment: This sequence change falls in intron 15 of the SCN9A gene. It does not directly change the encoded amino acid sequence of the SCN9A protein. It affects a nucleotide within the consensus splice site. This variant is present in population databases (no rsID available, gnomAD 0.006%). This variant has not been reported in the literature in individuals affected with SCN9A-related conditions. Variants that disrupt the consensus splice site are a relatively common cause of aberrant splicing (PMID: 17576681, 9536098). Algorithms developed to predict the effect of sequence changes on RNA splicing suggest that this variant is not likely to affect RNA splicing. In summary, the available evidence is currently insufficient to determine the role of this variant in disease. Therefore, it has been classified as a Variant of Uncertain Significance.

Literature cited by the submitters: PubMed 17576681; PubMed 9536098.